The following is an entry in ClinVar:

ClinVar aggregate classification (germline): Likely benign (1 of 4 stars; one submission).

gnomAD v4.1: 40 of 1,613,894 alleles (0.0025%); highest among the groups gnomAD compares: East Asian, 0.031%; 1 homozygote.

Submission:

CeGaT Center for Human Genetics Tuebingen
Classification: Likely benign. Last evaluated: 2025-04-01. Review status: criteria provided, single submitter. Criteria: CeGaT Center For Human Genetics Tuebingen Variant Classification Criteria Version 2. Collection method: clinical testing. Allele origin: germline. Affected: yes. Observed: 1 variant allele.
Comment: MACF1: BP4, BP7

NM_001394062.1(MACF1):c.4767G>A (p.Thr1589=)

Gene: MACF1 (microtubule actin crosslinking factor 1; plus strand). Cytogenetic location: 1p34.3.
Variant type: single nucleotide variant.
Coding change: c.4767G>A on transcript NM_001394062.1 (MANE Select); coding-DNA position 4767, G replaced by A.
Protein change: p.Thr1589=; no amino-acid change (threonine 1589 retained).
Molecular consequence: synonymous variant. On other transcripts: intron variant (1).
Genome position (GRCh38, 1-based): chr1:39,331,355, G>A. VCF-style: chr1-39331355-G-A. GRCh37 (hg19) VCF-style: chr1-39797027-G-A.
Other names: c.4629+4002G>A (NM_012090.5).
Identifiers: ClinVar variation 3898441 (VCV003898441.7).